The following is an entry in ClinVar:

NM_001017420.3(ESCO2):c.160C>T (p.His54Tyr)

Gene: ESCO2 (establishment of sister chromatid cohesion N-acetyltransferase 2; plus strand). Cytogenetic location: 8p21.1.
Variant type: single nucleotide variant.
Coding change: c.160C>T on transcript NM_001017420.3 (MANE Select); coding-DNA position 160, C replaced by T.
Protein change: p.His54Tyr; replaces histidine 54 with tyrosine.
Molecular consequence: missense variant.
Genome position (GRCh38, 1-based): chr8:27,776,468, C>T. VCF-style: chr8-27776468-C-T. GRCh37 (hg19) VCF-style: chr8-27633985-C-T.
Other names: short protein forms H54Y.
Identifiers: ClinVar variation 2143088 (VCV002143088.1), dbSNP rs769799908, ClinGen allele CA4692007.
Genomic context (GRCh38, chr8:27,776,468, plus strand): 5'-CACTGTTTTTATCAAAACAGTGATAAAAATGAAGAAAACCTGCATTGCTCTCAACAAGAG[C>T]ATTTTGTTTTAAGTGCGCTCAAAACAACTGAAATAAATAGACTGCCATCAGCAAATCAAG-3'
Protein context (NP_001017420.1, residues 44-64): EENLHCSQQE[His54Tyr]FVLSALKTTE

ClinVar aggregate classification (germline): Uncertain significance (1 of 4 stars; one submission).

Allele frequency attached by ClinVar (database versions not stated): ExAC 0.00001; TOPMed 0.00001; gnomAD 0.00003.
gnomAD v4.1: 13 of 1,611,602 alleles (0.00081%); highest among the groups gnomAD compares: Non-Finnish European, 0.00076%; no homozygotes.

Submission:

Labcorp Genetics (formerly Invitae), Labcorp
Classification: Uncertain significance. Last evaluated: 2022-07-20. Review status: criteria provided, single submitter. Criteria: Invitae Variant Classification Sherloc (09022015). Collection method: clinical testing. Allele origin: germline.
Comment: This sequence change replaces histidine, which is basic and polar, with tyrosine, which is neutral and polar, at codon 54 of the ESCO2 protein (p.His54Tyr). This variant is present in population databases (rs769799908, gnomAD 0.004%). This variant has not been reported in the literature in individuals affected with ESCO2-related conditions. Algorithms developed to predict the effect of missense changes on protein structure and function (SIFT, PolyPhen-2, Align-GVGD) all suggest that this variant is likely to be tolerated. In summary, the available evidence is currently insufficient to determine the role of this variant in disease. Therefore, it has been classified as a Variant of Uncertain Significance.